The following is an entry in ClinVar:

NM_000202.8(IDS):c.257C>G (p.Pro86Arg)

Gene: IDS (iduronate 2-sulfatase; minus strand). Cytogenetic location: Xq28.
Variant type: single nucleotide variant.
Coding change: c.257C>G on transcript NM_000202.8 (MANE Select); coding-DNA position 257, C replaced by G.
Protein change: p.Pro86Arg; replaces proline 86 with arginine.
Molecular consequence: missense variant. On other transcripts: non-coding transcript variant (1), intron variant (1).
Genome position (GRCh38, 1-based): chrX:149,503,473, G>C on the plus strand (C>G on the coding strand, the complement: IDS is on the minus strand). VCF-style: chrX-149503473-G-C. GRCh37 (hg19) VCF-style: chrX-148585003-G-C.
Other names: c.257C>G, p.Pro86Arg (NM_006123.5); c.15-28C>G (NM_001166550.4); short protein forms P86R.
Identifiers: ClinVar variation 996919 (VCV000996919.14), dbSNP rs1557340280, ClinGen allele CA414526902.

ClinVar aggregate classification (germline): Pathogenic. Review status: criteria provided, multiple submitters, no conflicts (2 of 4 stars). 5 submissions from 5 submitters: Pathogenic (5). Last evaluated 2024-06-07.

Conditions:
Mucopolysaccharidosis, MPS-II (MPS2). Also called: Mucopolysaccharidosis type 2; Hunter Syndrome; IDURONATE 2-SULFATASE DEFICIENCY; Mucopolysaccharidosis Type II; IDS deficiency; Sulfoiduronate sulfatase deficiency. Identifiers: Orphanet 580, Orphanet 79388, MedGen C0026705, MONDO:0010674, OMIM 309900.

Submissions (5):

Laboratory of Diagnosis and Therapy of Lysosomal Disorders, University of Padova
Classification: Pathogenic for Mucopolysaccharidosis, MPS-II. Last evaluated: 2024-06-07. Review status: criteria provided, single submitter. Criteria: ACMG Guidelines, 2015. Collection method: literature only. Allele origin: germline. Affected: yes. Observed: 8 variant alleles.
Comment: In vitro or in vivo functional studies supportive of a damaging effect (PS3_Strong), Prevalence of the variant significantly increased in affected individuals compared with controls (PS4_Moderate), Absent from controls (or at low frequency) in gnomAD database (PM2_Moderate), Missense variant in a gene with a low rate of benign missense variation (PP2_Supporting), Multiple lines of computational evidence support a deleterious effect (PP3_Supporting), Patient’s phenotype or family history highly specific for the disease (PP4_Moderate)

Classification method: ACMG Guidelines [PMID:25741868] with modifications

Women's Health and Genetics/Laboratory Corporation of America, LabCorp
Classification: Pathogenic for Mucopolysaccharidosis, MPS-II. Last evaluated: 2023-11-18. Review status: criteria provided, single submitter. Criteria: LabCorp Variant Classification Summary - May 2015. Collection method: clinical testing. Allele origin: germline.
Comment: Variant summary: IDS c.257C>G (p.Pro86Arg) results in a non-conservative amino acid change located in the Sulfatase, N-terminal domain (IPR000917) of the encoded protein sequence. Five of five in-silico tools predict a damaging effect of the variant on protein function. The variant was absent in 113502 control chromosomes. c.257C>G has been reported in the literature in multiple individuals affected with Mucopolysaccharidosis Type II (Hunter Syndrome) with reported severe phenotype (e.g. Hopwood_1995, Goldenfum_1996, Zhang_2019, Agrawal_2022, Zhong_2023) or intermediate phenotype (e.g. Popowska_1995). These data indicate that the variant is very likely to be associated with disease. At least one publication reports experimental evidence evaluating an impact on protein function. The most pronounced variant effect results in <10% of normal IDS activity (e.g. Millat_1998). The following publications have been ascertained in the context of this evaluation (PMID: 35144014, 8664909, 8111411, 9573369, 7728156, 30639582, 36945845). Two submitters have cited clinical-significance assessments for this variant to ClinVar after 2014. All submitters classified the variant as pathogenic. Based on the evidence outlined above, the variant was classified as pathogenic.

Labcorp Genetics (formerly Invitae), Labcorp
Classification: Pathogenic for Mucopolysaccharidosis, MPS-II. Last evaluated: 2022-05-27. Review status: criteria provided, single submitter. Criteria: Invitae Variant Classification Sherloc (09022015). Collection method: clinical testing. Allele origin: germline.
Comment: This variant disrupts the p.Pro86 amino acid residue in IDS. Other variant(s) that disrupt this residue have been determined to be pathogenic (PMID: 9573369, 17063374, 24515576, 28077157). This suggests that this residue is clinically significant, and that variants that disrupt this residue are likely to be disease-causing. Algorithms developed to predict the effect of sequence changes on RNA splicing suggest that this variant may disrupt the consensus splice site. Experimental studies have shown that this missense change affects IDS function (PMID: 9573369, 12572848). Advanced modeling of protein sequence and biophysical properties (such as structural, functional, and spatial information, amino acid conservation, physicochemical variation, residue mobility, and thermodynamic stability) performed at Invitae indicates that this missense variant is expected to disrupt IDS protein function. ClinVar contains an entry for this variant (Variation ID: 996919). This missense change has been observed in individual(s) with clinical features of mucopolysaccharidosis type II (PMID: 8111411, 30639582; Invitae). It has also been observed to segregate with disease in related individuals. This variant is not present in population databases (gnomAD no frequency). This sequence change replaces proline, which is neutral and non-polar, with arginine, which is basic and polar, at codon 86 of the IDS protein (p.Pro86Arg). For these reasons, this variant has been classified as Pathogenic.

Genome-Nilou Lab
Classification: Pathogenic for Mucopolysaccharidosis, MPS-II. Last evaluated: 2021-09-05. Review status: criteria provided, single submitter. Criteria: ACMG Guidelines, 2015. Collection method: clinical testing. Allele origin: germline. Affected: no.

Department of Medical Genetics, Sanjay Gandhi Post Graduate Institute of Medical Sciences
Classification: Pathogenic for Mucopolysaccharidosis, MPS-II. Review status: criteria provided, single submitter. Criteria: ACMG Guidelines, 2015. Collection method: clinical testing. Allele origin: unknown. Inheritance: X-linked inheritance. Affected: yes. Observed: 1 variant allele, 1 hemizygote.

Literature cited by the submitters: PubMed 35144014 (cited by Laboratory of Diagnosis and Therapy of Lysosomal Disorders, University of Padova and Women's Health and Genetics/Laboratory Corporation of America, LabCorp); PubMed 8281149 (cited by Laboratory of Diagnosis and Therapy of Lysosomal Disorders, University of Padova); PubMed 8664909 (cited by Laboratory of Diagnosis and Therapy of Lysosomal Disorders, University of Padova and Women's Health and Genetics/Laboratory Corporation of America, LabCorp); PubMed 8111411 (cited by 3 submitters); PubMed 7887413 (cited by Laboratory of Diagnosis and Therapy of Lysosomal Disorders, University of Padova); PubMed 33676511 (cited by Laboratory of Diagnosis and Therapy of Lysosomal Disorders, University of Padova); PubMed 30639582 (cited by 3 submitters); PubMed 36945845 (cited by Laboratory of Diagnosis and Therapy of Lysosomal Disorders, University of Padova and Women's Health and Genetics/Laboratory Corporation of America, LabCorp); PubMed 9573369 (cited by Women's Health and Genetics/Laboratory Corporation of America, LabCorp and Labcorp Genetics (formerly Invitae), Labcorp); PubMed 7728156 (cited by Women's Health and Genetics/Laboratory Corporation of America, LabCorp); PubMed 17063374 (cited by Labcorp Genetics (formerly Invitae), Labcorp); PubMed 24515576 (cited by Labcorp Genetics (formerly Invitae), Labcorp); PubMed 28077157 (cited by Labcorp Genetics (formerly Invitae), Labcorp); PubMed 12572848 (cited by Labcorp Genetics (formerly Invitae), Labcorp).